The following is an entry in ClinVar:

ClinVar aggregate classification (germline): Uncertain significance (1 of 4 stars; one submission).

Allele frequency attached by ClinVar (database versions not stated): gnomAD exomes below 0.00001; TOPMed below 0.00001.

Submission:

Labcorp Genetics (formerly Invitae), Labcorp
Classification: Uncertain significance. Last evaluated: 2021-03-20. Review status: criteria provided, single submitter. Criteria: Invitae Variant Classification Sherloc (09022015). Collection method: clinical testing. Allele origin: germline.
Comment: This sequence change replaces leucine with serine at codon 826 of the VCAN protein (p.Leu826Ser). The leucine residue is moderately conserved and there is a large physicochemical difference between leucine and serine. This variant is not present in population databases (ExAC no frequency). This variant has not been reported in the literature in individuals with VCAN-related conditions. Algorithms developed to predict the effect of missense changes on protein structure and function output the following: SIFT: "Tolerated"; PolyPhen-2: "Benign"; Align-GVGD: "Class C0". The serine amino acid residue is found in multiple mammalian species, suggesting that this missense change does not adversely affect protein function. These predictions have not been confirmed by published functional studies and their clinical significance is uncertain. In summary, the available evidence is currently insufficient to determine the role of this variant in disease. Therefore, it has been classified as a Variant of Uncertain Significance.

NM_004385.5(VCAN):c.2477T>C (p.Leu826Ser)

Gene: VCAN (versican; plus strand). Cytogenetic location: 5q14.3.
Variant type: single nucleotide variant.
Coding change: c.2477T>C on transcript NM_004385.5 (MANE Select); coding-DNA position 2477, T replaced by C.
Protein change: p.Leu826Ser; replaces leucine 826 with serine.
Molecular consequence: missense variant. On other transcripts: intron variant (2).
Genome position (GRCh38, 1-based): chr5:83,520,783, T>C. VCF-style: chr5-83520783-T-C. GRCh37 (hg19) VCF-style: chr5-82816602-T-C.
Other names: c.2477T>C, p.Leu826Ser (NM_001164098.2); c.1042+8387T>C (NM_001164097.2, NM_001126336.3); short protein forms L826S.
Identifiers: ClinVar variation 1517599 (VCV001517599.8), dbSNP rs1746058051, ClinGen allele CA360304015.